The following is an entry in ClinVar:

NM_001009944.3(PKD1):c.10477del (p.Glu3493fs)

Gene: PKD1 (polycystin 1, transient receptor potential channel interacting; minus strand). Cytogenetic location: 16p13.3.
Variant type: Deletion.
Coding change: c.10477del on transcript NM_001009944.3 (MANE Select); coding-DNA position 10477, one base deleted (G; older notation c.10477delG).
Protein change: p.Glu3493fs; shifts the reading frame from glutamic acid 3493.
Molecular consequence: frameshift variant.
Genome position (GRCh38, 1-based): chr16:2,097,170, C deleted on the plus strand (G on the coding strand, the reverse complement: PKD1 is on the minus strand); the first of 2 consecutive C bases (chr16:2,097,170-2,097,171); deleting either gives the same sequence. VCF-style (leftmost placement, unchanged base first): chr16-2097169-TC-T. GRCh37 (hg19) VCF-style: chr16-2147170-TC-T.
Other names: c.10474del, p.Glu3492fs (NM_000296.4); c.10476delG, p.Glu3493Lysfs (NM_001009944.2); short protein forms E3492fs, E3493fs.
Identifiers: ClinVar variation 3372869 (VCV003372869.1).

ClinVar aggregate classification (germline): Pathogenic (1 of 4 stars; one submission).

Submission:

GeneDx
Classification: Pathogenic. Last evaluated: 2024-04-26. Review status: criteria provided, single submitter. Criteria: GeneDx Variant Classification Process June 2021. Collection method: clinical testing. Allele origin: germline. Affected: yes.
Comment: Frameshift variant predicted to result in protein truncation or nonsense mediated decay in a gene for which loss of function is a known mechanism of disease; Not observed at significant frequency in large population cohorts (gnomAD); Has not been previously published as pathogenic or benign to our knowledge